The following is an entry in ClinVar:

NM_000548.5(TSC2):c.679T>C (p.Cys227Arg)

Gene: TSC2 (TSC complex subunit 2; plus strand). Cytogenetic location: 16p13.3.
Variant type: single nucleotide variant.
Coding change: c.679T>C on transcript NM_000548.5 (MANE Select); coding-DNA position 679, T replaced by C.
Protein change: p.Cys227Arg; replaces cysteine 227 with arginine.
Molecular consequence: missense variant. On other transcripts: 5 prime UTR variant (10), non-coding transcript variant (5).
Genome position (GRCh38, 1-based): chr16:2,056,674, T>C. VCF-style: chr16-2056674-T-C. GRCh37 (hg19) VCF-style: chr16-2106675-T-C.
Other names: c.679T>C, p.Cys227Arg (NM_001363528.2, NM_001370404.1, NM_001370405.1 and 6 more transcripts); c.769T>C, p.Cys257Arg (NM_001406667.1, NM_001406668.1); c.568T>C, p.Cys190Arg (NM_001406670.1, NM_001406678.1, NM_001318827.2); c.79T>C, p.Cys27Arg (NM_001406683.1, NM_001406684.1, NM_001406685.1 and 6 more transcripts); c.-753T>C (NM_001406689.1, NM_001406690.1, NM_001406691.1 and 4 more transcripts); c.-634T>C (NM_001406694.1, NM_001406695.1); c.-929T>C (NM_001406698.1); c.667T>C, p.Cys223Arg (NM_001406671.1, NM_001406673.1); and 4 more; short protein forms C27R, C190R, C227R, C178R, C208R, C223R, C73R, C238R.
Identifiers: ClinVar variation 2709728 (VCV002709728.3), dbSNP rs753197543, ClinGen allele CA394312499.
Genomic context (GRCh38, chr16:2,056,674, plus strand): 5'-ACGGGCGTGAGCCGTCTCCCTCTCCACCAGGTCTCCCTGCAGGTGCTGGACGCCGTGGTC[T>C]GCTACAACTGCCTGCCGGCTGAGAGCCTCCCGCTGTTCATCGTTACCCTCTGTCGCACCA-3'
Protein context (NP_000539.2, residues 217-237): VSLQVLDAVV[Cys227Arg]YNCLPAESLP

ClinVar aggregate classification (germline): Uncertain significance (1 of 4 stars; one submission).

Conditions:
Tuberous sclerosis 2 (TSC2). Identifiers: Orphanet 805, MedGen C1860707, MONDO:0013199, OMIM 613254.

Submission:

Labcorp Genetics (formerly Invitae), Labcorp
Classification: Uncertain significance for Tuberous sclerosis 2. Last evaluated: 2024-01-16. Review status: criteria provided, single submitter. Criteria: Invitae Variant Classification Sherloc (09022015). Collection method: clinical testing. Allele origin: germline.
Comment: This sequence change replaces cysteine, which is neutral and slightly polar, with arginine, which is basic and polar, at codon 227 of the TSC2 protein (p.Cys227Arg). This variant is not present in population databases (gnomAD no frequency). This variant has not been reported in the literature in individuals affected with TSC2-related conditions. Advanced modeling of protein sequence and biophysical properties (such as structural, functional, and spatial information, amino acid conservation, physicochemical variation, residue mobility, and thermodynamic stability) performed at Invitae indicates that this missense variant is not expected to disrupt TSC2 protein function with a negative predictive value of 95%. In summary, the available evidence is currently insufficient to determine the role of this variant in disease. Therefore, it has been classified as a Variant of Uncertain Significance.